The following is an entry in ClinVar:

NM_199420.4(POLQ):c.559G>T (p.Ala187Ser)

Gene: POLQ (DNA polymerase theta; minus strand). Cytogenetic location: 3q13.33.
Variant type: single nucleotide variant.
Coding change: c.559G>T on transcript NM_199420.4 (MANE Select); coding-DNA position 559, G replaced by T.
Protein change: p.Ala187Ser; replaces alanine 187 with serine.
Molecular consequence: missense variant.
Genome position (GRCh38, 1-based): chr3:121,539,505, C>A on the plus strand (G>T on the coding strand, the complement: POLQ is on the minus strand). VCF-style: chr3-121539505-C-A. GRCh37 (hg19) VCF-style: chr3-121258352-C-A.
Other names: short protein forms A187S.
Identifiers: ClinVar variation 1748536 (VCV001748536.2), dbSNP rs2048474462, ClinGen allele CA354091127.

ClinVar aggregate classification (germline): Uncertain significance (1 of 4 stars; one submission).

Submission:

Ambry Genetics
Classification: Uncertain significance. Last evaluated: 2021-09-01. Review status: criteria provided, single submitter. Criteria: Ambry Variant Classification Scheme 2023. Collection method: clinical testing. Allele origin: germline.
Comment: The p.A187S variant (also known as c.559G>T), located in coding exon 4 of the POLQ gene, results from a G to T substitution at nucleotide position 559. The alanine at codon 187 is replaced by serine, an amino acid with similar properties. This amino acid position is conserved. In addition, this alteration is predicted to be tolerated by in silico analysis. Since supporting evidence is limited at this time, the clinical significance of this alteration remains unclear.